The following is an entry in ClinVar:

NM_002878.4(RAD51D):c.679ATG[1] (p.Met228del)

Genes: RAD51D (RAD51 paralog D; minus strand), RAD51L3-RFFL (RAD51L3-RFFL readthrough; minus strand). Cytogenetic location: 17q12.
Variant type: Microsatellite.
Coding change: c.679ATG[1] on transcript NM_002878.4 (MANE Select); one copy of the 3-base unit ATG starting at c.679; the reference has two copies in a row; one copy, 3 bases deleted.
Protein change: p.Met228del; deletes methionine 228.
Molecular consequence: inframe deletion. On other transcripts: non-coding transcript variant (3).
Genome position (GRCh38, 1-based): chr17:35,103,308-35,103,310, CAT deleted on the plus strand (ATG on the coding strand, the reverse complement: RAD51D is on the minus strand); deleting any 3 consecutive bases within chr17:35,103,308-35,103,315 gives the same sequence; the position shown is the placement nearest the transcript's 3' end. VCF-style (leftmost placement, unchanged base first): chr17-35103307-GCAT-G. GRCh37 (hg19) VCF-style: chr17-33430326-GCAT-G.
Other names: c.739ATG[1], p.Met248del (NM_001142571.2); c.343ATG[1], p.Met116del (NM_133629.3); short protein forms M248del, M228del, M116del.
Identifiers: ClinVar variation 4720605 (VCV004720605.1).
Genomic context (GRCh38, chr17:35,103,307, plus strand): 5'-TCCTCACCACCACTGCCATGCCAAGGTCCCGGGCCAGGGTCTTCAGCTCTCGGGCCAGCT[GCAT>G]CATCAAGGCCAAGCCTGCAGGAGGAGGAGAAGCAGAGAGGGAGGGCAGTGGGGAACCAGG-3'

ClinVar aggregate classification (germline): Uncertain significance (1 of 4 stars; one submission).

Conditions:
Breast-ovarian cancer, familial, susceptibility to, 4. Identifiers: Orphanet 145, MedGen C3280345, MONDO:0013669, OMIM 614291.

Submission:

Labcorp Genetics (formerly Invitae), Labcorp
Classification: Uncertain significance for Breast-ovarian cancer, familial, susceptibility to, 4. Last evaluated: 2025-06-02. Review status: criteria provided, single submitter. Criteria: Invitae Variant Classification Sherloc (09022015). Collection method: clinical testing. Allele origin: germline.
Comment: This variant, c.682_684del, results in the deletion of 1 amino acid(s) of the RAD51D protein (p.Met228del), but otherwise preserves the integrity of the reading frame. This variant is not present in population databases (gnomAD no frequency). This variant has not been reported in the literature in individuals affected with RAD51D-related conditions. Experimental studies and prediction algorithms are not available or were not evaluated, and the functional significance of this variant is currently unknown. In summary, the available evidence is currently insufficient to determine the role of this variant in disease. Therefore, it has been classified as a Variant of Uncertain Significance.